The following is an entry in ClinVar:

ClinVar aggregate classification (germline): Benign/Likely benign. Review status: criteria provided, multiple submitters, no conflicts (2 of 4 stars). 4 submissions from 4 submitters: Benign (3); Likely benign (1). Last evaluated 2026-02-03.

Conditions:
Inborn genetic diseases. Identifiers: MedGen C0950123, MeSH D030342.

Allele frequency attached by ClinVar (database versions not stated): gnomAD exomes 0.00137; ExAC 0.00165; gnomAD 0.00512 and 0.00546; TOPMed 0.00562; ESP Exome Variant Server 0.00592; 1000 Genomes Project 0.00599; 1000 Genomes Project 30x 0.00656.
gnomAD v4.1: 1,424 of 1,613,406 alleles (0.088%); highest among the groups gnomAD compares: African/African-American, 1.7%; 15 homozygotes.

Submissions (4):

Labcorp Genetics (formerly Invitae), Labcorp
Classification: Benign. Last evaluated: 2026-02-03. Review status: criteria provided, single submitter. Criteria: Invitae Variant Classification Sherloc (09022015). Collection method: clinical testing. Allele origin: germline.

Mayo Clinic Laboratories, Mayo Clinic
Classification: Benign. Last evaluated: 2025-05-13. Review status: criteria provided, single submitter. Criteria: ACMG Guidelines, 2015. Collection method: clinical testing. Allele origin: germline. Observed: 3 variant alleles.
Comment: BS1, BS2, BP4, BP7

Ambry Genetics
Classification: Likely benign for Inborn genetic diseases. Last evaluated: 2022-02-11. Review status: criteria provided, single submitter. Criteria: Ambry Variant Classification Scheme 2023. Collection method: clinical testing. Allele origin: germline.

Breakthrough Genomics
Classification: Benign. Review status: criteria provided, single submitter. Criteria: ACMG Guidelines, 2015. Collection method: not provided. Allele origin: germline. Inheritance: Autosomal recessive inheritance. Affected: yes.

NM_001792.5(CDH2):c.696G>T (p.Arg232=)

Gene: CDH2 (cadherin 2; minus strand). Cytogenetic location: 18q12.1.
Variant type: single nucleotide variant.
Coding change: c.696G>T on transcript NM_001792.5 (MANE Select); coding-DNA position 696, G replaced by T.
Protein change: p.Arg232=; no amino-acid change (arginine 232 retained).
Molecular consequence: synonymous variant.
Genome position (GRCh38, 1-based): chr18:28,009,723, C>A on the plus strand (G>T on the coding strand, the complement: CDH2 is on the minus strand). VCF-style: chr18-28009723-C-A. GRCh37 (hg19) VCF-style: chr18-25589687-C-A.
Other names: p.Arg232=; c.603G>T, p.Arg201= (NM_001308176.2).
Identifiers: ClinVar variation 1601655 (VCV001601655.12), dbSNP rs520232, ClinGen allele CA8923627.